The following is an entry in ClinVar:

NM_000064.4(C3):c.2668C>T (p.Pro890Ser)

Gene: C3 (complement C3; minus strand). Cytogenetic location: 19p13.3.
Variant type: single nucleotide variant.
Coding change: c.2668C>T on transcript NM_000064.4 (MANE Select); coding-DNA position 2668, C replaced by T.
Protein change: p.Pro890Ser; replaces proline 890 with serine.
Molecular consequence: missense variant.
Genome position (GRCh38, 1-based): chr19:6,697,472, G>A on the plus strand (C>T on the coding strand, the complement: C3 is on the minus strand). VCF-style: chr19-6697472-G-A. GRCh37 (hg19) VCF-style: chr19-6697483-G-A.
Other names: c.2668C>T (NM_000064.2); short protein forms P890S.
Identifiers: ClinVar variation 1447116 (VCV001447116.9), dbSNP rs531463049, ClinGen allele CA9129007.

ClinVar aggregate classification (germline): Uncertain significance. Review status: criteria provided, multiple submitters, no conflicts (2 of 4 stars). 4 submissions from 4 submitters: Uncertain significance (4). Last evaluated 2025-11-28.

Conditions:
Inborn genetic diseases. Identifiers: MedGen C0950123, MeSH D030342.
Age related macular degeneration 9. Identifiers: MedGen C1969651, MONDO:0012659, OMIM 611378.
Atypical hemolytic-uremic syndrome with C3 anomaly. Also called: AHUS, SUSCEPTIBILITY TO, 5. Identifiers: Orphanet 2134, MedGen C2752037, MONDO:0013043, OMIM 612925.
Complement component 3 deficiency. Identifiers: Orphanet 280133, MedGen C3151071, MONDO:0013417, OMIM 613779.

Allele frequency attached by ClinVar (database versions not stated): gnomAD 0.00004; TOPMed 0.00004.
gnomAD v4.1: 104 of 1,613,856 alleles (0.0064%); highest among the groups gnomAD compares: Non-Finnish European, 0.0086%; no homozygotes.

Submissions (4):

Labcorp Genetics (formerly Invitae), Labcorp
Classification: Uncertain significance. Last evaluated: 2025-11-28. Review status: criteria provided, single submitter. Criteria: Invitae Variant Classification Sherloc (09022015). Collection method: clinical testing. Allele origin: germline.
Comment: This sequence change replaces proline, which is neutral and non-polar, with serine, which is neutral and polar, at codon 890 of the C3 protein (p.Pro890Ser). This variant is present in population databases (rs531463049, gnomAD 0.002%). This variant has not been reported in the literature in individuals affected with C3-related conditions. ClinVar contains an entry for this variant (Variation ID: 1447116). Invitae Evidence Modeling of protein sequence and biophysical properties (such as structural, functional, and spatial information, amino acid conservation, physicochemical variation, residue mobility, and thermodynamic stability) indicates that this missense variant is not expected to disrupt C3 protein function with a negative predictive value of 80%. In summary, the available evidence is currently insufficient to determine the role of this variant in disease. Therefore, it has been classified as a Variant of Uncertain Significance.

Blueprint Genetics
Classification: Uncertain significance. Last evaluated: 2024-09-12. Review status: criteria provided, single submitter. Criteria: ACMG Guidelines, 2015. Collection method: clinical testing. Allele origin: germline.

Ambry Genetics
Classification: Uncertain significance for Inborn genetic diseases. Last evaluated: 2024-07-26. Review status: criteria provided, single submitter. Criteria: Ambry Variant Classification Scheme 2023. Collection method: clinical testing. Allele origin: germline.

Fulgent Genetics
Classification: Uncertain significance for Age related macular degeneration 9; Atypical hemolytic-uremic syndrome with C3 anomaly; Complement component 3 deficiency. Last evaluated: 2022-05-26. Review status: criteria provided, single submitter. Criteria: ACMG Guidelines, 2015. Collection method: clinical testing. Allele origin: unknown.